The following is an entry in ClinVar:

NC_012920.1(MT-ND2):m.5074T>C

Gene: MT-ND2 (mitochondrially encoded NADH dehydrogenase 2; plus strand).
Variant type: single nucleotide variant.
Genome position: chrM-5074-T-C.
Identifiers: ClinVar variation 692541 (VCV000692541.1), dbSNP rs1556422946, ClinGen allele CA414778770.

ClinVar aggregate classification (germline): Benign (1 of 4 stars; one submission).

Conditions:
Leigh syndrome (NULS). Also called: Leigh's necrotizing encephalopathy; Leigh's disease; Leigh Syndrome (mtDNA deletion); Leigh Disease; Subacute necrotizing encephalopathy; Necrotizing encephalopathy infantile subacute of Leigh. Identifiers: Orphanet 506, MedGen C2931891, MONDO:0009723, OMIM 256000.

Submission:

Wong Mito Lab, Molecular and Human Genetics, Baylor College of Medicine
Classification: Benign for Leigh syndrome. Last evaluated: 2019-10-17. Review status: criteria provided, single submitter. Criteria: Modified ACMG Guidelines (Unpublished). Collection method: clinical testing. Allele origin: germline.
Comment: The NC_012920.1:m.5074T>C (YP_003024027.1:p.Ile202Thr) variant in MTND2 gene is interpretated to be a Benign variant based on the modified ACMG guidelines (unpublished). This variant meets the following evidence codes: BS1, BS2, BP4